The following is an entry in ClinVar:

NM_001379150.1(IRS4):c.1735G>A (p.Gly579Ser)

Gene: IRS4 (insulin receptor substrate 4; minus strand). Cytogenetic location: Xq22.3.
Variant type: single nucleotide variant.
Coding change: c.1735G>A on transcript NM_001379150.1 (MANE Select); coding-DNA position 1735, G replaced by A.
Protein change: p.Gly579Ser; replaces glycine 579 with serine.
Molecular consequence: missense variant.
Genome position (GRCh38, 1-based): chrX:108,734,610, C>T on the plus strand (G>A on the coding strand, the complement: IRS4 is on the minus strand). VCF-style: chrX-108734610-C-T. GRCh37 (hg19) VCF-style: chrX-107977840-C-T.
Other names: c.1735G>A, p.Gly579Ser (NM_003604.2); short protein forms G579S.
Identifiers: ClinVar variation 2661174 (VCV002661174.25), dbSNP rs138870709, ClinGen allele CA10489744.

ClinVar aggregate classification (germline): Conflicting classifications of pathogenicity. Review status: criteria provided, conflicting classifications (1 of 4 stars). 2 submissions from 2 submitters: Uncertain significance (1); Likely benign (1). Last evaluated 2024-11-22.

Allele frequency attached by ClinVar (database versions not stated): TOPMed 0.00008; ESP Exome Variant Server 0.00028; gnomAD 0.00005; gnomAD exomes 0.00006; ExAC 0.00007.
gnomAD v4.1: 78 of 1,209,647 alleles (0.0064%); highest among the groups gnomAD compares: Non-Finnish European, 0.0021%; no homozygotes.

Submissions (2):

Ambry Genetics
Classification: Uncertain significance. Last evaluated: 2024-11-22. Review status: criteria provided, single submitter. Criteria: Ambry Variant Classification Scheme 2023. Collection method: clinical testing. Allele origin: germline.

CeGaT Center for Human Genetics Tuebingen
Classification: Likely benign. Last evaluated: 2023-01-01. Review status: criteria provided, single submitter. Criteria: CeGaT Center For Human Genetics Tuebingen Variant Classification Criteria Version 2. Collection method: clinical testing. Allele origin: germline. Affected: yes. Observed: 1 variant allele.
Comment: IRS4: BP4, BS2